The following is an entry in ClinVar:

ClinVar aggregate classification (germline): Uncertain significance (1 of 4 stars; one submission).

Allele frequency attached by ClinVar (database versions not stated): gnomAD exomes below 0.00001.
gnomAD v4.1: 1 of 1,612,288 alleles (0.000062%); highest among the groups gnomAD compares: Non-Finnish European, 0.000085%; no homozygotes.

Submission:

Ambry Genetics
Classification: Uncertain significance. Last evaluated: 2021-11-22. Review status: criteria provided, single submitter. Criteria: Ambry Variant Classification Scheme 2023. Collection method: clinical testing. Allele origin: germline.
Comment: The p.P116H variant (also known as c.347C>A), located in coding exon 2 of the MNDA gene, results from a C to A substitution at nucleotide position 347. The proline at codon 116 is replaced by histidine, an amino acid with similar properties. This amino acid position is conserved. In addition, this alteration is predicted to be tolerated by in silico analysis. Since supporting evidence is limited at this time, the clinical significance of this alteration remains unclear.

NM_002432.3(MNDA):c.347C>A (p.Pro116His)

Gene: MNDA (myeloid cell nuclear differentiation antigen; plus strand). Cytogenetic location: 1q23.1.
Variant type: single nucleotide variant.
Coding change: c.347C>A on transcript NM_002432.3 (MANE Select); coding-DNA position 347, C replaced by A.
Protein change: p.Pro116His; replaces proline 116 with histidine.
Molecular consequence: missense variant.
Genome position (GRCh38, 1-based): chr1:158,843,360, C>A. VCF-style: chr1-158843360-C-A. GRCh37 (hg19) VCF-style: chr1-158813150-C-A.
Other names: short protein forms P116H.
Identifiers: ClinVar variation 1731822 (VCV001731822.2), dbSNP rs2526079239, ClinGen allele CA343038687.